The following is an entry in ClinVar:

ClinVar aggregate classification (germline): Uncertain significance. Review status: criteria provided, multiple submitters, no conflicts (2 of 4 stars). 2 submissions from 2 submitters: Uncertain significance (2). Last evaluated 2023-12-22.

Conditions:
Aortic valve disease 2 (AOVD2). Identifiers: MedGen C3542024, MONDO:0013902, OMIM 614823.

Submissions (2):

ARUP Laboratories, Molecular Genetics and Genomics, ARUP Laboratories
Classification: Uncertain significance. Last evaluated: 2023-12-22. Review status: criteria provided, single submitter. Criteria: ARUP Molecular Germline Variant Investigation Process 2024. Collection method: clinical testing. Allele origin: germline.

Labcorp Genetics (formerly Invitae), Labcorp
Classification: Uncertain significance for Aortic valve disease 2. Last evaluated: 2017-07-02. Review status: criteria provided, single submitter. Criteria: Invitae Variant Classification Sherloc (09022015). Collection method: clinical testing. Allele origin: germline.
Comment: This sequence change affects the initiator methionine of the SMAD6 mRNA. While it is expected to result in an absent or disrupted protein product an alternate in-frame methionine downstream of the original initiator codon located at codon 93 could potentially rescue translation initiation. While this variant is not present in population databases, the frequency information is unreliable, as metrics indicate poor data quality at this position in the ExAC database. This variant has not been reported in the literature in individuals with SMAD6-related disease. The current clinical and genetic evidence is not sufficient to establish whether loss-of-function variants in SMAD6 cause disease. In summary, the available evidence is currently insufficient to determine the role of this variant in disease. Therefore, it has been classified as a Variant of Uncertain Significance.

NM_005585.5(SMAD6):c.2T>G (p.Met1Arg)

Gene: SMAD6 (SMAD family member 6; plus strand). Cytogenetic location: 15q22.31.
Variant type: single nucleotide variant.
Coding change: c.2T>G on transcript NM_005585.5 (MANE Select); coding-DNA position 2, T replaced by G.
Protein change: p.Met1Arg; changes the start codon (methionine 1).
Molecular consequence: missense variant, initiator codon variant. On other transcripts: non-coding transcript variant (1).
Genome position (GRCh38, 1-based): chr15:66,703,260, T>G. VCF-style: chr15-66703260-T-G. GRCh37 (hg19) VCF-style: chr15-66995598-T-G.
Other names: short protein forms M1R.
Identifiers: ClinVar variation 471756 (VCV000471756.11), dbSNP rs1409145798, ClinGen allele CA392948215.